The following is an entry in ClinVar:

NM_001367721.1(CASK):c.2076G>C (p.Gln692His)

Gene: CASK (calcium/calmodulin dependent serine protein kinase; minus strand). Cytogenetic location: Xp11.4.
Variant type: single nucleotide variant.
Coding change: c.2076G>C on transcript NM_001367721.1 (MANE Select); coding-DNA position 2076, G replaced by C.
Protein change: p.Gln692His; replaces glutamine 692 with histidine.
Molecular consequence: missense variant.
Genome position (GRCh38, 1-based): chrX:41,542,770, C>G on the plus strand (G>C on the coding strand, the complement: CASK is on the minus strand). VCF-style: chrX-41542770-C-G. GRCh37 (hg19) VCF-style: chrX-41402023-C-G.
Other names: c.2007G>C, p.Gln669His (NM_001126054.3); c.1989G>C, p.Gln663His (NM_001126055.3); c.2058G>C, p.Gln686His (NM_001410745.1); c.2076G>C, p.Gln692His (NM_003688.4); short protein forms Q663H, Q686H, Q669H, Q692H.
Identifiers: ClinVar variation 2983727 (VCV002983727.3), dbSNP rs1168411559, ClinGen allele CA412992393.
Genomic context (GRCh38, chrX:41,542,770, plus strand): 5'-ATATTTATCTTTGTACTGCTTCTTTTTCTTGCCAAACCAAGTACAGCTGGCCTGCTGCTC[C>G]TGTTTGGTCTTCTCCATGGCAATGCAAGCTACTCGCCTAGCACATACAAAAAGAAAAATA-3'
Protein context (NP_001354650.1, residues 682-702): VACIAMEKTK[Gln692His]EQQASCTWFG

ClinVar aggregate classification (germline): Uncertain significance (1 of 4 stars; one submission).

Conditions:
Intellectual disability, CASK-related, X-linked. Identifiers: MedGen CN043158.

Submission:

Labcorp Genetics (formerly Invitae), Labcorp
Classification: Uncertain significance for Intellectual disability, CASK-related, X-linked. Last evaluated: 2024-06-24. Review status: criteria provided, single submitter. Criteria: Invitae Variant Classification Sherloc (09022015). Collection method: clinical testing. Allele origin: germline.
Comment: This sequence change replaces glutamine, which is neutral and polar, with histidine, which is basic and polar, at codon 692 of the CASK protein (p.Gln692His). This variant is not present in population databases (gnomAD no frequency). This variant has not been reported in the literature in individuals affected with CASK-related conditions. Advanced modeling of protein sequence and biophysical properties (such as structural, functional, and spatial information, amino acid conservation, physicochemical variation, residue mobility, and thermodynamic stability) has been performed at Invitae for this missense variant, however the output from this modeling did not meet the statistical confidence thresholds required to predict the impact of this variant on CASK protein function. In summary, the available evidence is currently insufficient to determine the role of this variant in disease. Therefore, it has been classified as a Variant of Uncertain Significance.